The following is an entry in ClinVar:

NM_201384.3(PLEC):c.119G>A (p.Arg40Gln)

Gene: PLEC (plectin; minus strand). Cytogenetic location: 8q24.3.
Variant type: single nucleotide variant.
Coding change: c.119G>A on transcript NM_201384.3 (MANE Select); coding-DNA position 119, G replaced by A.
Protein change: p.Arg40Gln; replaces arginine 40 with glutamine.
Molecular consequence: missense variant.
Genome position (GRCh38, 1-based): chr8:143,938,686, C>T on the plus strand (G>A on the coding strand, the complement: PLEC is on the minus strand). VCF-style: chr8-143938686-C-T. GRCh37 (hg19) VCF-style: chr8-145012854-C-T.
Other names: c.200G>A, p.Arg67Gln (NM_000445.5, NM_001410941.1); c.77G>A, p.Arg26Gln (NM_201378.4); c.53G>A, p.Arg18Gln (NM_201379.3); c.530G>A, p.Arg177Gln (NM_201380.4); c.23G>A, p.Arg8Gln (NM_201381.3); c.119G>A, p.Arg40Gln (NM_201382.4); c.131G>A, p.Arg44Gln (NM_201383.3); short protein forms R18Q, R26Q, R40Q, R44Q, R67Q, R177Q, R8Q.
Identifiers: ClinVar variation 1704364 (VCV001704364.4), dbSNP rs1310146373, ClinGen allele CA372593178.

ClinVar aggregate classification (germline): Uncertain significance. Review status: criteria provided, multiple submitters, no conflicts (2 of 4 stars). 2 submissions from 2 submitters: Uncertain significance (2). Last evaluated 2023-05-23.

Conditions:
Epidermolysis bullosa simplex 5B, with muscular dystrophy (EBS5B). Also called: Epidermolysis bullosa simplex with muscular dystrophy; EPIDERMOLYSIS BULLOSA SIMPLEX AND LIMB-GIRDLE MUSCULAR DYSTROPHY. Identifiers: Orphanet 257, MedGen C2931072, MONDO:0009181, OMIM 226670.
Epidermolysis bullosa simplex, Ogna type (EBS5A). Also called: Pidermolysis bullosa simplex 5A, Ogna type; EPIDERMOLYSIS BULLOSA SIMPLEX 5A, OGNA TYPE. Identifiers: Orphanet 79401, MedGen C0432317, MONDO:0007555, OMIM 131950.
Epidermolysis bullosa simplex 5C, with pyloric atresia (EBS5C). Also called: PLEC1-Related Epidermolysis Bullosa with Pyloric Atresia; PLEC-Related Epidermolysis Bullosa with Pyloric Atresia; Epidermolysis bullosa simplex with pyloric atresia. Identifiers: Orphanet 158684, MedGen C2677349, MONDO:0012807, OMIM 612138.
Autosomal recessive limb-girdle muscular dystrophy type 2Q (LGMDR17). Also called: MUSCULAR DYSTROPHY, LIMB-GIRDLE, AUTOSOMAL RECESSIVE 17. Identifiers: Orphanet 254361, MedGen C3150989, MONDO:0013390, OMIM 613723.
Epidermolysis bullosa simplex with nail dystrophy (EBS5D). Identifiers: MedGen C4225309, MONDO:0014661, OMIM 616487.

Allele frequency attached by ClinVar (database versions not stated): TOPMed below 0.00001; gnomAD exomes 0.00001.
gnomAD v4.1: 10 of 1,613,794 alleles (0.00062%); highest among the groups gnomAD compares: Non-Finnish European, 0.00085%; no homozygotes.

Submissions (2):

Labcorp Genetics (formerly Invitae), Labcorp
Classification: Uncertain significance for Autosomal recessive limb-girdle muscular dystrophy type 2Q; Epidermolysis bullosa simplex, Ogna type; Epidermolysis bullosa simplex with nail dystrophy; Epidermolysis bullosa simplex 5C, with pyloric atresia; Epidermolysis bullosa simplex 5B, with muscular dystrophy. Last evaluated: 2023-05-23. Review status: criteria provided, single submitter. Criteria: Invitae Variant Classification Sherloc (09022015). Collection method: clinical testing. Allele origin: germline.
Comment: This sequence change replaces arginine, which is basic and polar, with glutamine, which is neutral and polar, at codon 67 of the PLEC protein (p.Arg67Gln). This variant is present in population databases (no rsID available, gnomAD 0.002%). This variant has not been reported in the literature in individuals affected with PLEC-related conditions. In summary, the available evidence is currently insufficient to determine the role of this variant in disease. Therefore, it has been classified as a Variant of Uncertain Significance. Experimental studies and prediction algorithms are not available or were not evaluated, and the functional significance of this variant is currently unknown. ClinVar contains an entry for this variant (Variation ID: 1704364).

Johns Hopkins Genomics, Johns Hopkins University
Classification: Uncertain significance for Autosomal recessive limb-girdle muscular dystrophy type 2Q. Last evaluated: 2022-06-02. Review status: criteria provided, single submitter. Criteria: ACMG Guidelines, 2015. Collection method: clinical testing. Allele origin: germline.
Comment: This PLEC variant is rare (<0.1%) in a large population dataset (gnomAD: 2/250348 total alleles; 0.0008%; no homozygotes) and has not been reported in ClinVar nor the literature, to our knowledge. Two bioinformatic tools queried predict that this substitution would be damaging, and the arginine residue at this position is strongly conserved across the vertebrate species assessed. Bioinformatic analysis predicts that this variant would not affect normal exon 2 splicing, although this has not been confirmed experimentally to our knowledge. Due to insufficient evidence, we consider the clinical significance of c.119G>A to be uncertain at this time.

Literature cited by the submitters: PubMed 28447722 (cited by Johns Hopkins Genomics, Johns Hopkins University); PubMed 34572129 (cited by Johns Hopkins Genomics, Johns Hopkins University).